The following is an entry in ClinVar:

NM_198576.4(AGRN):c.4352C>T (p.Pro1451Leu)

Gene: AGRN (agrin; plus strand). Cytogenetic location: 1p36.33.
Variant type: single nucleotide variant.
Coding change: c.4352C>T on transcript NM_198576.4 (MANE Select); coding-DNA position 4352, C replaced by T.
Protein change: p.Pro1451Leu; replaces proline 1451 with leucine.
Molecular consequence: missense variant.
Genome position (GRCh38, 1-based): chr1:1,049,289, C>T. VCF-style: chr1-1049289-C-T. GRCh37 (hg19) VCF-style: chr1-984669-C-T.
Other names: p.Pro1451Leu; c.4352C>T, p.Pro1451Leu (NM_001305275.2); c.4037C>T, p.Pro1346Leu (NM_001364727.2); c.4352C>T (LRG_198t1); short protein forms P1451L, P1346L.
Identifiers: ClinVar variation 263185 (VCV000263185.55), dbSNP rs144620006, ClinGen allele CA509436.
Genomic context (GRCh38, chr1:1,049,289, plus strand): 5'-CCCTCAGGTTTGACACAGGTTCGGGGCCGGCGGTGCTGACCAGTGCCGTGCCGGTAGAGC[C>T]GGGCCAGTGGCACCGCCTGGAGCTGTCCCGGCACTGGCGCCGGGGCACCCTCTCGGTGGA-3'
Protein context (NP_940978.2, residues 1441-1461): AVLTSAVPVE[Pro1451Leu]GQWHRLELSR

ClinVar aggregate classification (germline): Benign/Likely benign. Review status: criteria provided, multiple submitters, no conflicts (2 of 4 stars). 8 submissions from 8 submitters: Benign (2); Likely benign (6). Last evaluated 2026-07-01.

Conditions:
Congenital myasthenic syndrome 8. Also called: Myasthenic syndrome, congenital, 8, with pre- and postsynaptic defects; MYASTHENIC SYNDROME, CONGENITAL, DUE TO AGRIN DEFICIENCY. Identifiers: Orphanet 590, MedGen C3808739, MONDO:0014052, OMIM 615120.

Allele frequency attached by ClinVar (database versions not stated): 1000 Genomes Project 30x 0.00031; 1000 Genomes Project 0.00040; TOPMed 0.00341; gnomAD exomes 0.00349 and 0.00446; gnomAD 0.00406 and 0.00426; ExAC 0.00412; ESP Exome Variant Server 0.00425.
gnomAD v4.1: 7,035 of 1,596,360 alleles (0.44%); highest among the groups gnomAD compares: Non-Finnish European, 0.53%; 35 homozygotes.

Submissions (8):

CeGaT Center for Human Genetics Tuebingen
Classification: Likely benign. Last evaluated: 2026-07-01. Review status: criteria provided, single submitter. Criteria: CeGaT Center For Human Genetics Tuebingen Variant Classification Criteria Version 2. Collection method: clinical testing. Allele origin: germline. Affected: yes. Observed: 12 variant alleles.
Comment: AGRN: BS2

Labcorp Genetics (formerly Invitae), Labcorp
Classification: Likely benign for Congenital myasthenic syndrome 8. Last evaluated: 2026-02-01. Review status: criteria provided, single submitter. Criteria: Invitae Variant Classification Sherloc (09022015). Collection method: clinical testing. Allele origin: germline.

Mayo Clinic Laboratories, Mayo Clinic
Classification: Benign. Last evaluated: 2023-07-06. Review status: criteria provided, single submitter. Criteria: ACMG Guidelines, 2015. Collection method: clinical testing. Allele origin: germline. Observed: 7 variant alleles.
Comment: BS1, BS2, BP4

GeneDx
Classification: Likely benign. Last evaluated: 2021-09-18. Review status: criteria provided, single submitter. Criteria: GeneDx Variant Classification Process June 2021. Collection method: clinical testing. Allele origin: germline. Affected: yes.
Comment: This variant is associated with the following publications: (PMID: 19631309)

Athena Diagnostics
Classification: Benign. Last evaluated: 2019-03-19. Review status: criteria provided, single submitter. Criteria: Athena Diagnostics Criteria. Collection method: clinical testing. Allele origin: germline.

Genetic Services Laboratory, University of Chicago
Classification: Likely benign. Last evaluated: 2016-12-23. Review status: criteria provided, single submitter. Criteria: ACMG Guidelines, 2015. Collection method: clinical testing. Allele origin: germline. Affected: no.

Breakthrough Genomics
Classification: Likely benign. Review status: criteria provided, single submitter. Criteria: ACMG Guidelines, 2015. Collection method: not provided. Allele origin: germline. Inheritance: Autosomal recessive inheritance. Affected: yes.

PreventionGenetics, part of Exact Sciences
Classification: Likely benign. Review status: criteria provided, single submitter. Criteria: ACMG Guidelines, 2015. Collection method: clinical testing. Allele origin: germline.

Literature cited by the submitters: PubMed 19631309 (cited by Athena Diagnostics).